The following is an entry in ClinVar:

ClinVar aggregate classification (germline): Benign. Review status: criteria provided, multiple submitters, no conflicts (2 of 4 stars). 10 submissions from 10 submitters: Benign (9). 1 of the submissions does not count toward it. Last evaluated 2026-02-02.

Conditions:
Muscular dystrophy-dystroglycanopathy (congenital with brain and eye anomalies), type A2. Also called: WALKER-WARBURG SYNDROME OR MUSCLE-EYE-BRAIN DISEASE, POMT2-RELATED; MUSCULAR DYSTROPHY-DYSTROGLYCANOPATHY (CONGENITAL WITH BRAIN AND EYE ANOMALIES), TYPE A, 2. Identifiers: Orphanet 588, Orphanet 899, MedGen C3150411, MONDO:0013154, OMIM 613150.
Muscular dystrophy-dystroglycanopathy (congenital with impaired intellectual development), type B, 2. Also called: MUSCULAR DYSTROPHY, CONGENITAL, POMT2-RELATED; Muscular dystrophy-dystroglycanopathy (congenital with intellectual disability), type B2. Identifiers: MedGen C3150416, MONDO:0013160, OMIM 613156.
Autosomal recessive limb-girdle muscular dystrophy type 2N. Also called: MUSCULAR DYSTROPHY-DYSTROGLYCANOPATHY, LIMB-GIRDLE, POMT2-RELATED; Muscular dystrophy-dystroglycanopathy (limb-girdle), type C, 2. Identifiers: Orphanet 206559, MedGen C3150418, MONDO:0013162, OMIM 613158.

Allele frequency attached by ClinVar (database versions not stated): 1000 Genomes Project 0.03235; gnomAD exomes 0.00285 and 0.00678; TOPMed 0.03273; 1000 Genomes Project 30x 0.03498; ExAC 0.01642; gnomAD 0.02889 and 0.03119; ESP Exome Variant Server 0.02936.
gnomAD v4.1: 8,528 of 1,554,514 alleles (0.55%); highest among the groups gnomAD compares: African/African-American, 10%; 445 homozygotes.

Submissions (10):

Labcorp Genetics (formerly Invitae), Labcorp
Classification: Benign for Muscular dystrophy-dystroglycanopathy (congenital with impaired intellectual development), type B, 2; Muscular dystrophy-dystroglycanopathy (congenital with brain and eye anomalies), type A2; Autosomal recessive limb-girdle muscular dystrophy type 2N. Last evaluated: 2026-02-02. Review status: criteria provided, single submitter. Criteria: Invitae Variant Classification Sherloc (09022015). Collection method: clinical testing. Allele origin: germline.

Mayo Clinic Laboratories, Mayo Clinic
Classification: Benign. Last evaluated: 2018-08-02. Review status: criteria provided, single submitter. Criteria: ACMG Guidelines, 2015. Collection method: clinical testing. Allele origin: germline. Observed: 20 variant alleles.

SIB Swiss Institute of Bioinformatics
Classification: Benign. Last evaluated: 2018-05-31. Review status: criteria provided, single submitter. Criteria: ACMG Guidelines, 2015. Collection method: curation. Allele origin: unknown.
Comment: This variant is interpreted as a Benign - Stand Alone. The following ACMG Tag(s) were applied: BA1 => Allele frequency is >5% in Exome Sequencing Project, 1000 Genomes Project, or Exome Aggregation Consortium. BP4 => Multiple lines of computational evidence suggest no impact on gene or gene product (conservation, evolutionary, splicing impact, etc.).

Illumina Laboratory Services, Illumina
Classification: Benign for Autosomal recessive limb-girdle muscular dystrophy type 2N. Last evaluated: 2018-01-12. Review status: criteria provided, single submitter. Criteria: ICSL Variant Classification Criteria 13 December 2019. Collection method: clinical testing. Allele origin: germline.
Comment: This variant was observed in the ICSL laboratory as part of a predisposition screen in an ostensibly healthy population. It had not been previously curated by ICSL or reported in the Human Gene Mutation Database (HGMD: prior to June 1st, 2018), and was therefore a candidate for classification through an automated scoring system. Utilizing variant allele frequency, disease prevalence and penetrance estimates, and inheritance mode, an automated score was calculated to assess if this variant is too frequent to cause the disease. Based on the score and internal cut-off values, a variant classified as benign is not then subjected to further curation. The score for this variant resulted in a classification of benign for this disease.

Athena Diagnostics
Classification: Benign. Last evaluated: 2017-08-14. Review status: criteria provided, single submitter. Criteria: Athena Diagnostics Criteria. Collection method: clinical testing. Allele origin: germline.

GeneDx
Classification: Benign. Last evaluated: 2014-05-27. Review status: criteria provided, single submitter. Criteria: GeneDx Variant Classification (06012015). Collection method: clinical testing. Allele origin: germline. Affected: yes.
Comment: This variant is considered likely benign or benign based on one or more of the following criteria: it is a conservative change, it occurs at a poorly conserved position in the protein, it is predicted to be benign by multiple in silico algorithms, and/or has population frequency not consistent with disease.

Eurofins Ntd Llc (ga)
Classification: Benign. Last evaluated: 2013-12-13. Review status: criteria provided, single submitter. Criteria: EGL Classification Definitions 2015. Collection method: clinical testing. Allele origin: germline. Observed: 2 variant alleles, 2 heterozygotes.

Breakthrough Genomics
Classification: Benign. Review status: criteria provided, single submitter. Criteria: ACMG Guidelines, 2015. Collection method: not provided. Allele origin: germline. Inheritance: Autosomal recessive inheritance. Affected: yes.

PreventionGenetics, part of Exact Sciences
Classification: Benign. Review status: criteria provided, single submitter. Criteria: ACMG Guidelines, 2015. Collection method: clinical testing. Allele origin: germline.

Genetic Services Laboratory, University of Chicago
Classification: Likely benign for AllHighlyPenetrant. Review status: no assertion criteria provided. Collection method: clinical testing. Allele origin: germline. Inheritance: Autosomal recessive inheritance. Not counted in ClinVar's aggregate classification.
Comment: Likely benign based on allele frequency in 1000 Genomes Project or ESP global frequency and its presence in a patient with a rare or unrelated disease phenotype. NOT Sanger confirmed.

NM_013382.7(POMT2):c.161C>A (p.Ala54Glu)

Gene: POMT2 (protein O-mannosyltransferase 2; minus strand). Cytogenetic location: 14q24.3.
Variant type: single nucleotide variant.
Coding change: c.161C>A on transcript NM_013382.7 (MANE Select); coding-DNA position 161, C replaced by A.
Protein change: p.Ala54Glu; replaces alanine 54 with glutamic acid.
Molecular consequence: missense variant.
Genome position (GRCh38, 1-based): chr14:77,320,521, G>T on the plus strand (C>A on the coding strand, the complement: POMT2 is on the minus strand). VCF-style: chr14-77320521-G-T. GRCh37 (hg19) VCF-style: chr14-77786864-G-T.
Other names: p.A54E:GCG>GAG; NM_013382.5(POMT2):c.161C>A(p.Ala54Glu).
Identifiers: ClinVar variation 130016 (VCV000130016.25), dbSNP rs8177536, ClinGen allele CA154760.